The following is an entry in ClinVar:

NM_001130012.3(NHERF2):c.486G>A (p.Gly162=)

Gene: NHERF2 (NHERF family PDZ scaffold protein 2; plus strand). Cytogenetic location: 16p13.3.
Variant type: single nucleotide variant.
Coding change: c.486G>A on transcript NM_001130012.3 (MANE Select); coding-DNA position 486, G replaced by A.
Protein change: p.Gly162=; no amino-acid change (glycine 162 retained).
Molecular consequence: synonymous variant.
Genome position (GRCh38, 1-based): chr16:2,036,395, G>A. VCF-style: chr16-2036395-G-A. GRCh37 (hg19) VCF-style: chr16-2086396-G-A.
Other names: c.153G>A, p.Gly51= (NM_001252073.2, NM_001252076.2); c.147G>A, p.Gly49= (NM_001252075.2); c.486G>A, p.Gly162= (NM_004785.6).
Identifiers: ClinVar variation 64483 (VCV000064483.3), dbSNP rs387907540, ClinGen allele CA216244.

ClinVar aggregate classification (germline): Uncertain significance (0 of 4 stars; one submission).

Allele frequency attached by ClinVar (database versions not stated): gnomAD 0.00003 and 0.00001; ExAC 0.00004; 1000 Genomes Project 0.00020; 1000 Genomes Project 30x 0.00031; gnomAD exomes 0.00001 and 0.00002; TOPMed 0.00002.
gnomAD v4.1: 11 of 1,610,294 alleles (0.00068%); highest among the groups gnomAD compares: Admixed American, 0.013%; 1 homozygote.

Submission:

Martin Pollak Laboratory,  Beth Israel Deaconess Medical Center
Classification: Uncertain significance. Review status: no assertion criteria provided. Collection method: not provided. Allele origin: unknown.
Comment: Lower and higher UCa2+ groups
ClinVar note: Converted during submission from unknown to Uncertain significance.